The following is an entry in ClinVar:

NM_000182.5(HADHA):c.1825del (p.Glu609fs)

Genes: GAREM2 (GRB2 associated regulator of MAPK1 subtype 2; plus strand), HADHA (hydroxyacyl-CoA dehydrogenase trifunctional multienzyme complex subunit alpha; minus strand). Cytogenetic location: 2p23.3.
Variant type: Deletion.
Coding change: c.1825del on transcript NM_000182.5 (MANE Select); coding-DNA position 1825, one base deleted (G; older notation c.1825delG).
Protein change: p.Glu609fs; shifts the reading frame from glutamic acid 609.
Molecular consequence: frameshift variant.
Genome position (GRCh38, 1-based): chr2:26,193,637, C deleted on the plus strand (G on the coding strand, the reverse complement: HADHA is on the minus strand); the first of 4 consecutive C bases (chr2:26,193,637-26,193,640); deleting any one gives the same sequence. VCF-style (leftmost placement, unchanged base first): chr2-26193636-TC-T. GRCh37 (hg19) VCF-style: chr2-26416505-TC-T.
Other names: short protein forms E609fs.
Identifiers: ClinVar variation 5013831 (VCV005013831.1).
Genomic context (GRCh38, chr2:26,193,636, plus strand): 5'-CCTAGGAAGCCCTTGGACACCATCTGTGTCAGCAGTTCTGGGTTTCCACCTCCAAACCGC[TC>T]CCCAAAGACTTTGCCCAGATCTTCCGCCACATGTTTCGCTACATCCACACCAACTTCATC-3'

ClinVar aggregate classification (germline): Pathogenic (1 of 4 stars; one submission).

Conditions:
Long chain 3-hydroxyacyl-CoA dehydrogenase deficiency. Also called: Deficiency of long-chain 3-hydroxyacyl-coenzyme A dehydrogenase; LCHAD Deficiency. Identifiers: Orphanet 5, MedGen C3711645, MONDO:0012173, OMIM 609016.

Submission:

Myriad Genetics, Inc.
Classification: Pathogenic for Long chain 3-hydroxyacyl-CoA dehydrogenase deficiency. Last evaluated: 2024-12-03. Review status: criteria provided, single submitter. Criteria: Myriad Autosomal Dominant, Autosomal Recessive and X-Linked Classification Criteria (2023). Collection method: clinical testing. Allele origin: unknown.
Comment: NM_000182.4(HADHA):c.1825delG(E609Sfs*11) is expected to be pathogenic in the context of HADHA-related disorders. This variant is predicted to lead to an abnormal or absent protein product due to the creation of a premature termination codon in HADHA, a gene where loss-of-function variants are known to be pathogenic. Please note: this variant was assessed in the context of healthy population screening.